The following is an entry in ClinVar:

NM_000368.5(TSC1):c.1333+6A>T

Gene: TSC1 (TSC complex subunit 1; minus strand). Cytogenetic location: 9q34.13.
Variant type: single nucleotide variant.
Coding change: c.1333+6A>T on transcript NM_000368.5 (MANE Select); 6 bases into the intron after coding-DNA position 1333, A replaced by T.
Molecular consequence: intron variant.
Genome position (GRCh38, 1-based): chr9:132,907,295, T>A on the plus strand (A>T on the coding strand, the complement: TSC1 is on the minus strand). VCF-style: chr9-132907295-T-A. GRCh37 (hg19) VCF-style: chr9-135782682-T-A.
Other names: c.967+6A>T (NM_001406620.1, NM_001406625.1, NM_001406621.1 and 2 more transcripts); c.970+6A>T (NM_001406618.1, NM_001406617.1, NM_001406619.1 and 5 more transcripts); c.1177+6A>T (NM_001406613.1, NM_001406612.1, NM_001406611.1); c.1180+6A>T (NM_001406610.1, NM_001162427.2); c.379+6A>T (NM_001406627.1, NM_001406628.1); c.280+6A>T (NM_001406629.1, NM_001406630.1); c.1330+6A>T (NM_001406603.1, NM_001406609.1, NM_001406597.1 and 6 more transcripts); c.1333+6A>T (NM_001406602.1, NM_001406606.1, NM_001406592.1 and 7 more transcripts); and 1 more.
Identifiers: ClinVar variation 2744233 (VCV002744233.3), dbSNP rs2538781924, ClinGen allele CA2697558136.

ClinVar aggregate classification (germline): Uncertain significance (1 of 4 stars; one submission).

Conditions:
Tuberous sclerosis 1 (TSC1). Identifiers: Orphanet 805, MedGen C1854465, MONDO:0008612, OMIM 191100.

Submission:

Labcorp Genetics (formerly Invitae), Labcorp
Classification: Uncertain significance for Tuberous sclerosis 1. Last evaluated: 2024-04-29. Review status: criteria provided, single submitter. Criteria: Invitae Variant Classification Sherloc (09022015). Collection method: clinical testing. Allele origin: germline.
Comment: This sequence change falls in intron 13 of the TSC1 gene. It does not directly change the encoded amino acid sequence of the TSC1 protein. It affects a nucleotide within the consensus splice site. This variant is not present in population databases (gnomAD no frequency). This variant has not been reported in the literature in individuals affected with TSC1-related conditions. Variants that disrupt the consensus splice site are a relatively common cause of aberrant splicing (PMID: 17576681, 9536098). Algorithms developed to predict the effect of sequence changes on RNA splicing suggest that this variant is not likely to affect RNA splicing. In summary, the available evidence is currently insufficient to determine the role of this variant in disease. Therefore, it has been classified as a Variant of Uncertain Significance.

Literature cited by the submitters: PubMed 17576681; PubMed 9536098.